The following is an entry in ClinVar:

NM_001164508.2(NEB):c.1896+4_1896+5del

Gene: NEB (nebulin; minus strand). Cytogenetic location: 2q23.3.
Variant type: Deletion.
Coding change: c.1896+4_1896+5del on transcript NM_001164508.2 (MANE Select); bases 4 to 5 of the intron after coding-DNA position 1896, 2 bases deleted (AG; older notation c.1896+4_1896+5delAG).
Molecular consequence: intron variant.
Genome position (GRCh38, 1-based): chr2:151,694,318-151,694,319, CT deleted on the plus strand (AG on the coding strand, the reverse complement: NEB is on the minus strand); deleting any 2 consecutive bases within chr2:151,694,318-151,694,320 gives the same sequence; the c. name uses the placement nearest the transcript's 3' end. VCF-style (leftmost placement, unchanged base first): chr2-151694317-ACT-A. GRCh37 (hg19) VCF-style: chr2-152550831-ACT-A.
Other names: c.1896+4_1896+5del (NM_004543.5, NM_001164507.2, NM_001271208.2).
Identifiers: ClinVar variation 2102264 (VCV002102264.1), dbSNP rs2099580226, ClinGen allele CA1298299867.

ClinVar aggregate classification (germline): Uncertain significance (1 of 4 stars; one submission).

Conditions:
Nemaline myopathy 2 (NEM2). Also called: Nemaline myopathy 2, autosomal recessive. Identifiers: MedGen C1850569, MONDO:0009725, OMIM 256030.

Submission:

Labcorp Genetics (formerly Invitae), Labcorp
Classification: Uncertain significance for Nemaline myopathy 2. Last evaluated: 2022-07-13. Review status: criteria provided, single submitter. Criteria: Invitae Variant Classification Sherloc (09022015). Collection method: clinical testing. Allele origin: germline.
Comment: This sequence change falls in intron 20 of the NEB gene. It does not directly change the encoded amino acid sequence of the NEB protein. It affects a nucleotide within the consensus splice site. This variant is not present in population databases (gnomAD no frequency). This variant has not been reported in the literature in individuals affected with NEB-related conditions. Variants that disrupt the consensus splice site are a relatively common cause of aberrant splicing (PMID: 17576681, 9536098). Algorithms developed to predict the effect of sequence changes on RNA splicing suggest that this variant may disrupt the consensus splice site. In summary, the available evidence is currently insufficient to determine the role of this variant in disease. Therefore, it has been classified as a Variant of Uncertain Significance.

Literature cited by the submitters: PubMed 17576681; PubMed 9536098.